The following is an entry in ClinVar:

ClinVar aggregate classification (germline): Likely benign. Review status: criteria provided, multiple submitters, no conflicts (2 of 4 stars). 4 submissions from 4 submitters: Likely benign (3). 1 of the submissions does not count toward it. Last evaluated 2026-01-22.

Conditions:
FCSK-related disorder. Also called: FCSK-related condition.

Allele frequency attached by ClinVar (database versions not stated): 1000 Genomes Project 0.00080; 1000 Genomes Project 30x 0.00109; TOPMed 0.00217; gnomAD 0.00261; ESP Exome Variant Server 0.00299.
gnomAD v4.1: 5,311 of 1,613,902 alleles (0.33%); highest among the groups gnomAD compares: Non-Finnish European, 0.42%; 17 homozygotes.

Submissions (10):

Labcorp Genetics (formerly Invitae), Labcorp
Classification: Likely benign. Last evaluated: 2026-01-22. Review status: criteria provided, single submitter. Criteria: Invitae Variant Classification Sherloc (09022015). Collection method: clinical testing. Allele origin: germline.

Blueprint Genetics
Classification: Likely benign. Last evaluated: 2024-10-29. Review status: criteria provided, single submitter. Criteria: ACMG Guidelines, 2015. Collection method: clinical testing. Allele origin: germline.

CeGaT Center for Human Genetics Tuebingen
Classification: Likely benign. Last evaluated: 2024-07-01. Review status: criteria provided, single submitter. Criteria: CeGaT Center For Human Genetics Tuebingen Variant Classification Criteria Version 2. Collection method: clinical testing. Allele origin: germline. Affected: yes. Observed: 1 variant allele.
Comment: FCSK: BS2

PreventionGenetics, part of Exact Sciences
Classification: Likely benign for FCSK-related condition. Last evaluated: 2022-11-21. Review status: no assertion criteria provided. Collection method: clinical testing. Allele origin: germline. Not counted in ClinVar's aggregate classification.
Comment: This variant is classified as likely benign based on ACMG/AMP sequence variant interpretation guidelines (Richards et al. 2015 PMID: 25741868, with internal and published modifications).

Dr. Peter K. Rogan Lab, Western University
No classification provided (evidence only). Condition: Melanoma. Review status: no classification provided. Collection method: in vitro. Allele origin: not applicable. Functional consequence: retained intron. Not counted in ClinVar's aggregate classification.

Dr. Peter K. Rogan Lab, Western University
No classification provided (evidence only). Condition: Ovarian serous cystadenocarcinoma. Review status: no classification provided. Collection method: in vitro. Allele origin: not applicable. Functional consequence: retained intron. Not counted in ClinVar's aggregate classification.

Dr. Peter K. Rogan Lab, Western University
No classification provided (evidence only). Condition: Gastric cancer. Review status: no classification provided. Collection method: in vitro. Allele origin: not applicable. Functional consequence: retained intron. Not counted in ClinVar's aggregate classification.

Dr. Peter K. Rogan Lab, Western University
No classification provided (evidence only). Condition: Gastric cancer. Review status: no classification provided. Collection method: in vitro. Allele origin: not applicable. Functional consequence: retained intron. Not counted in ClinVar's aggregate classification.

Dr. Peter K. Rogan Lab, Western University
No classification provided (evidence only). Condition: Uveal melanoma. Review status: no classification provided. Collection method: in vitro. Allele origin: not applicable. Functional consequence: retained intron. Not counted in ClinVar's aggregate classification.

Dr. Peter K. Rogan Lab, Western University
No classification provided (evidence only). Condition: Malignant tumor of esophagus. Review status: no classification provided. Collection method: in vitro. Allele origin: not applicable. Functional consequence: retained intron. Not counted in ClinVar's aggregate classification.

NM_145059.3(FCSK):c.436G>A (p.Val146Met)

Gene: FCSK (fucose kinase; plus strand). Cytogenetic location: 16q22.1.
Variant type: single nucleotide variant.
Coding change: c.436G>A on transcript NM_145059.3 (MANE Select); coding-DNA position 436, G replaced by A.
Protein change: p.Val146Met; replaces valine 146 with methionine.
Molecular consequence: missense variant.
Genome position (GRCh38, 1-based): chr16:70,466,906, G>A. VCF-style: chr16-70466906-G-A. GRCh37 (hg19) VCF-style: chr16-70500809-G-A.
Other names: c.436G>A (NM_145059.2); short protein forms V146M.
Identifiers: ClinVar variation 1682351 (VCV001682351.28), dbSNP rs17881323, ClinGen allele CA8142911.